The following is an entry in ClinVar:

NM_001290043.2(TAP2):c.1402G>A (p.Val468Met)

Gene: TAP2 (transporter 2, ATP binding cassette subfamily B member; minus strand). Cytogenetic location: 6p21.32.
Variant type: single nucleotide variant.
Coding change: c.1402G>A on transcript NM_001290043.2 (MANE Select); coding-DNA position 1402, G replaced by A.
Protein change: p.Val468Met; replaces valine 468 with methionine.
Molecular consequence: missense variant.
Genome position (GRCh38, 1-based): chr6:32,830,677, C>T on the plus strand (G>A on the coding strand, the complement: TAP2 is on the minus strand). VCF-style: chr6-32830677-C-T. GRCh37 (hg19) VCF-style: chr6-32798454-C-T.
Other names: c.1402G>A, p.Val468Met (NM_000544.3, NM_018833.3); short protein forms V468M.
Identifiers: ClinVar variation 966069 (VCV000966069.7), dbSNP rs145903803, ClinGen allele CA3745920.

ClinVar aggregate classification (germline): Uncertain significance (1 of 4 stars; one submission).

Conditions:
MHC class I deficiency. Identifiers: Orphanet 34592, MedGen C6024714, MONDO:0011476.

Allele frequency attached by ClinVar (database versions not stated): ESP Exome Variant Server 0.00012; gnomAD exomes 0.00004 and 0.00007; gnomAD 0.00006 and 0.00005; ExAC 0.00003.
gnomAD v4.1: 109 of 1,612,986 alleles (0.0068%); highest among the groups gnomAD compares: Non-Finnish European, 0.0084%; no homozygotes.

Submission:

Labcorp Genetics (formerly Invitae), Labcorp
Classification: Uncertain significance for MHC class I deficiency 1. Last evaluated: 2024-10-07. Review status: criteria provided, single submitter. Criteria: Invitae Variant Classification Sherloc (09022015). Collection method: clinical testing. Allele origin: germline.
Comment: This sequence change replaces valine, which is neutral and non-polar, with methionine, which is neutral and non-polar, at codon 468 of the TAP2 protein (p.Val468Met). This variant is present in population databases (rs145903803, gnomAD 0.009%). This variant has not been reported in the literature in individuals affected with TAP2-related conditions. ClinVar contains an entry for this variant (Variation ID: 966069). An algorithm developed to predict the effect of missense changes on protein structure and function outputs the following: PolyPhen-2: "Not Available". The methionine amino acid residue is found in multiple mammalian species, which suggests that this missense change does not adversely affect protein function. In summary, the available evidence is currently insufficient to determine the role of this variant in disease. Therefore, it has been classified as a Variant of Uncertain Significance.